The following is an entry in ClinVar:

NM_001127392.3(MYRF):c.2538G>A (p.Thr846=)

Gene: MYRF (myelin regulatory factor; plus strand). Cytogenetic location: 11q12.2.
Variant type: single nucleotide variant.
Coding change: c.2538G>A on transcript NM_001127392.3 (MANE Select); coding-DNA position 2538, G replaced by A.
Protein change: p.Thr846=; no amino-acid change (threonine 846 retained).
Molecular consequence: synonymous variant.
Genome position (GRCh38, 1-based): chr11:61,781,011, G>A. VCF-style: chr11-61781011-G-A. GRCh37 (hg19) VCF-style: chr11-61548483-G-A.
Other names: NC_000011.9:g.61548483G>A; c.2433G>A, p.Thr811= (NM_013279.4).
Identifiers: ClinVar variation 4373191 (VCV004373191.2).

ClinVar aggregate classification (germline): Likely benign (1 of 4 stars; one submission).

gnomAD v4.1: 27 of 1,609,942 alleles (0.0017%); highest among the groups gnomAD compares: East Asian, 0.018%; no homozygotes.

Submissions (2):

CeGaT Center for Human Genetics Tuebingen
Classification: Likely benign. Last evaluated: 2026-07-01. Review status: criteria provided, single submitter. Criteria: CeGaT Center For Human Genetics Tuebingen Variant Classification Criteria Version 2. Collection method: clinical testing. Allele origin: germline. Affected: yes. Observed: 1 variant allele.
Comment: MYRF: BP4, BP7

Dr. Peter K. Rogan Lab, Western University
No classification provided (evidence only). Condition: Malignant lymphoma, large B-cell, diffuse. Review status: no classification provided. Collection method: in vitro. Allele origin: not applicable. Functional consequence: retained intron. Not counted in ClinVar's aggregate classification.